The following is an entry in ClinVar:

NM_014727.3(KMT2B):c.307C>T (p.Pro103Ser)

Gene: KMT2B (lysine methyltransferase 2B; plus strand). Cytogenetic location: 19q13.12.
Variant type: single nucleotide variant.
Coding change: c.307C>T on transcript NM_014727.3 (MANE Select); coding-DNA position 307, C replaced by T.
Protein change: p.Pro103Ser; replaces proline 103 with serine.
Molecular consequence: missense variant.
Genome position (GRCh38, 1-based): chr19:35,718,325, C>T. VCF-style: chr19-35718325-C-T. GRCh37 (hg19) VCF-style: chr19-36209227-C-T.
Other names: short protein forms P103S.
Identifiers: ClinVar variation 3612636 (VCV003612636.2).
Genomic context (GRCh38, chr19:35,718,325, plus strand): 5'-CTGTGGGCCGGCCCGCGGGTCCAGCGGGGCCGGGGACGGGGTCGGGGCCGGGGCTGGGGC[C>T]CGAGTCGAGGCTGCGTGCCGGAGGAGGAGAGCAGTGACGGGGAATCCGACGAGGAGGTGA-3'
Protein context (NP_055542.1, residues 93-113): RGRGRGRGWG[Pro103Ser]SRGCVPEEES

ClinVar aggregate classification (germline): Uncertain significance (1 of 4 stars; one submission).

Submission:

Labcorp Genetics (formerly Invitae), Labcorp
Classification: Uncertain significance. Last evaluated: 2024-07-23. Review status: criteria provided, single submitter. Criteria: Invitae Variant Classification Sherloc (09022015). Collection method: clinical testing. Allele origin: germline.
Comment: This sequence change replaces proline, which is neutral and non-polar, with serine, which is neutral and polar, at codon 103 of the KMT2B protein (p.Pro103Ser). This variant is not present in population databases (gnomAD no frequency). This variant has not been reported in the literature in individuals affected with KMT2B-related conditions. Advanced modeling of protein sequence and biophysical properties (such as structural, functional, and spatial information, amino acid conservation, physicochemical variation, residue mobility, and thermodynamic stability) performed at Invitae indicates that this missense variant is not expected to disrupt KMT2B protein function with a negative predictive value of 80%. In summary, the available evidence is currently insufficient to determine the role of this variant in disease. Therefore, it has been classified as a Variant of Uncertain Significance.